The following is an entry in ClinVar:

ClinVar aggregate classification (germline): Uncertain significance (1 of 4 stars; one submission).

Allele frequency attached by ClinVar (database versions not stated): TOPMed below 0.00001; gnomAD exomes 0.00001 and 0.00002.
gnomAD v4.1: 5 of 1,613,618 alleles (0.00031%); highest among the groups gnomAD compares: Admixed American, 0.0083%; no homozygotes.

Submission:

Labcorp Genetics (formerly Invitae), Labcorp
Classification: Uncertain significance. Last evaluated: 2022-06-20. Review status: criteria provided, single submitter. Criteria: Invitae Variant Classification Sherloc (09022015). Collection method: clinical testing. Allele origin: germline.
Comment: This sequence change replaces glycine, which is neutral and non-polar, with aspartic acid, which is acidic and polar, at codon 2127 of the USH2A protein (p.Gly2127Asp). This variant is present in population databases (no rsID available, gnomAD 0.009%). This variant has not been reported in the literature in individuals affected with USH2A-related conditions. Algorithms developed to predict the effect of missense changes on protein structure and function are either unavailable or do not agree on the potential impact of this missense change (SIFT: "Deleterious"; PolyPhen-2: "Probably Damaging"; Align-GVGD: "Class C0"). In summary, the available evidence is currently insufficient to determine the role of this variant in disease. Therefore, it has been classified as a Variant of Uncertain Significance.

NM_206933.4(USH2A):c.6380G>A (p.Gly2127Asp)

Gene: USH2A (usherin; minus strand). Cytogenetic location: 1q41.
Variant type: single nucleotide variant.
Coding change: c.6380G>A on transcript NM_206933.4 (MANE Select); coding-DNA position 6380, G replaced by A.
Protein change: p.Gly2127Asp; replaces glycine 2127 with aspartic acid.
Molecular consequence: missense variant.
Genome position (GRCh38, 1-based): chr1:216,000,508, C>T on the plus strand (G>A on the coding strand, the complement: USH2A is on the minus strand). VCF-style: chr1-216000508-C-T. GRCh37 (hg19) VCF-style: chr1-216173850-C-T.
Other names: short protein forms G2127D.
Identifiers: ClinVar variation 1380697 (VCV001380697.5), dbSNP rs964562748, ClinGen allele CA37479810.